The following is an entry in ClinVar:

ClinVar aggregate classification (germline): Likely benign (1 of 4 stars; one submission).

Allele frequency attached by ClinVar (database versions not stated): gnomAD exomes 0.00001; ExAC 0.00002; TOPMed 0.00002.
gnomAD v4.1: 13 of 1,611,782 alleles (0.00081%); highest among the groups gnomAD compares: Non-Finnish European, 0.0011%; no homozygotes.

Submission:

CeGaT Center for Human Genetics Tuebingen
Classification: Likely benign. Last evaluated: 2022-11-01. Review status: criteria provided, single submitter. Criteria: CeGaT Center For Human Genetics Tuebingen Variant Classification Criteria Version 2. Collection method: clinical testing. Allele origin: germline. Affected: yes. Observed: 1 variant allele.
Comment: CNTRL: BP4, BP7

NM_007018.6(CNTRL):c.4224A>G (p.Glu1408=)

Gene: CNTRL (centriolin; plus strand). Cytogenetic location: 9q33.2.
Variant type: single nucleotide variant.
Coding change: c.4224A>G on transcript NM_007018.6 (MANE Select); coding-DNA position 4224, A replaced by G.
Protein change: p.Glu1408=; no amino-acid change (glutamic acid 1408 retained).
Molecular consequence: synonymous variant. On other transcripts: non-coding transcript variant (1).
Genome position (GRCh38, 1-based): chr9:121,154,772, A>G. VCF-style: chr9-121154772-A-G. GRCh37 (hg19) VCF-style: chr9-123917050-A-G.
Other names: c.2568A>G, p.Glu856= (NM_001330762.2, NM_001369892.1); c.4224A>G, p.Glu1408= (NM_001369893.1); c.4281A>G, p.Glu1427= (NM_001369894.1); c.3723A>G, p.Glu1241= (NM_001369895.1).
Identifiers: ClinVar variation 2659474 (VCV002659474.24), dbSNP rs769404106, ClinGen allele CA5219646.